The following is an entry in ClinVar:

ClinVar aggregate classification (germline): Likely pathogenic (1 of 4 stars; one submission).

Conditions:
Infantile liver failure syndrome 3. Identifiers: MedGen C5231437, MONDO:0032844, OMIM 618641.

Submission:

First Genomix Gene Laboratory, Genetic Diagnostics Department
Classification: Likely pathogenic for Infantile liver failure syndrome 3. Last evaluated: 2025-04-11. Review status: criteria provided, single submitter. Criteria: ACMG Guidelines, 2015. Collection method: clinical testing. Allele origin: germline. Inheritance: Autosomal recessive inheritance. Affected: no. Observed: 1 variant allele.

NM_021930.6(RINT1):c.1207_1210del (p.Asp403fs)

Gene: RINT1 (RAD50 interactor 1; plus strand). Cytogenetic location: 7q22.3.
Variant type: Deletion.
Coding change: c.1207_1210del on transcript NM_021930.6 (MANE Select); coding-DNA positions 1207 to 1210, 4 bases deleted (GATG; older notation c.1207_1210delGATG).
Protein change: p.Asp403fs; shifts the reading frame from aspartic acid 403.
Molecular consequence: frameshift variant. On other transcripts: non-coding transcript variant (1).
Genome position (GRCh38, 1-based): chr7:105,550,360-105,550,363, GATG deleted; deleting any 4 consecutive bases within chr7:105,550,358-105,550,363 gives the same sequence; the c. name uses the placement nearest the transcript's 3' end. VCF-style (leftmost placement, unchanged base first): chr7-105550357-GTGGA-G. GRCh37 (hg19) VCF-style: chr7-105190804-GTGGA-G.
Other names: c.973_976del, p.Asp325fs (NM_001346599.2); c.184_187del, p.Asp62fs (NM_001346600.2, NM_001346603.2); c.283_286del, p.Asp95fs (NM_001346601.2); c.1207_1210delGATG (NM_021930.6); short protein forms D325fs, D403fs, D62fs, D95fs.
Identifiers: ClinVar variation 4526601 (VCV004526601.1).
Genomic context (GRCh38, chr7:105,550,357, plus strand): 5'-GAGAAGTTAGCCACTGATATTCCTTGTCTGCTATATGATGACAATCTCTTCTGTCATTTG[GTGGA>G]TGAAGTACTCTTGTTTGAAAGGGAGCTACACAGTGTTCATGGCTATCCTGGCACTTTTGC-3'